The following is an entry in ClinVar:

ClinVar aggregate classification (germline): Uncertain significance (1 of 4 stars; one submission).

Conditions:
Biotin-responsive basal ganglia disease (BTBGD). Also called: Thiamine metabolism dysfunction syndrome type 2; THIAMINE METABOLISM DYSFUNCTION SYNDROME 2 (BIOTIN- AND THIAMINE-RESPONSIVE TYPE); Thiamine metabolism dysfunction syndrome 2 (biotin- or thiamine-responsive encephalopathy type 2); thiamine-responsive encephalopathy; Thiamine Transporter-2 Deficiency. Identifiers: Orphanet 199348, Orphanet 65284, MedGen C1843807, MONDO:0011841, OMIM 607483.

Submission:

Labcorp Genetics (formerly Invitae), Labcorp
Classification: Uncertain significance for Biotin-responsive basal ganglia disease. Last evaluated: 2021-12-07. Review status: criteria provided, single submitter. Criteria: Invitae Variant Classification Sherloc (09022015). Collection method: clinical testing. Allele origin: germline.
Comment: This sequence change replaces serine, which is neutral and polar, with lysine, which is basic and polar, at codon 457 of the SLC19A3 protein (p.Ser457Lys). This variant is present in population databases (no rsID available, gnomAD 0.2%). This variant has not been reported in the literature in individuals affected with SLC19A3-related conditions. Algorithms developed to predict the effect of missense changes on protein structure and function are either unavailable or do not agree on the potential impact of this missense change (SIFT: "Not Available"; PolyPhen-2: "Probably Damaging"; Align-GVGD: "Not Available"). In summary, the available evidence is currently insufficient to determine the role of this variant in disease. Therefore, it has been classified as a Variant of Uncertain Significance.

NM_025243.4(SLC19A3):c.1370_1371delinsAA (p.Ser457Lys)

Gene: SLC19A3 (solute carrier family 19 member 3; minus strand). Cytogenetic location: 2q36.3.
Variant type: Indel.
Coding change: c.1370_1371delinsAA on transcript NM_025243.4 (MANE Select); coding-DNA positions 1370 to 1371, GC replaced by AA.
Protein change: p.Ser457Lys; replaces serine 457 with lysine.
Molecular consequence: missense variant.
Genome position (GRCh38, 1-based): chr2:227,687,517-227,687,518, GC replaced by TT on the plus strand (GC replaced by AA on the coding strand, the reverse complement: SLC19A3 is on the minus strand). VCF-style: chr2-227687517-GC-TT. GRCh37 (hg19) VCF-style: chr2-228552233-GC-TT.
Other names: c.1370_1371delinsAA, p.Ser457Lys (NM_001371411.1, NM_001371412.1); c.1358_1359delinsAA, p.Ser453Lys (NM_001371413.1, NM_001371414.1); short protein forms S453K, S457K.
Identifiers: ClinVar variation 2142628 (VCV002142628.1), dbSNP rs2470553130, ClinGen allele CA2580065948.
Genomic context (GRCh38, chr2:227,687,517, plus strand): 5'-CTCACTTGGAGCAGGGCTCTGTACATCCTTCTGGGATTTGGTTGAGTAGGTAATATACAT[GC>TT]TTCTCATTAGGAAAATTCCAGCAATTACTGCAAAATAGCTCCCATAAACTAAAAACTGGA-3'
Protein context (NP_079519.1, residues 447-467): AVIAGIFLMR[Ser457Lys]MYITYSTKSQ